The following is an entry in ClinVar:

ClinVar aggregate classification (germline): Uncertain significance (1 of 4 stars; one submission).

Submission:

Labcorp Genetics (formerly Invitae), Labcorp
Classification: Uncertain significance. Last evaluated: 2021-11-10. Review status: criteria provided, single submitter. Criteria: Invitae Variant Classification Sherloc (09022015). Collection method: clinical testing. Allele origin: germline.
Comment: In summary, the available evidence is currently insufficient to determine the role of this variant in disease. Therefore, it has been classified as a Variant of Uncertain Significance. Algorithms developed to predict the effect of missense changes on protein structure and function (SIFT, PolyPhen-2, Align-GVGD) all suggest that this variant is likely to be tolerated. This missense change has been observed in individual(s) with autosomal recessive familial hyperinsulinism (Invitae). This variant is not present in population databases (gnomAD no frequency). This sequence change replaces phenylalanine, which is neutral and non-polar, with valine, which is neutral and non-polar, at codon 154 of the ABCC8 protein (p.Phe154Val).

NM_000352.6(ABCC8):c.460T>G (p.Phe154Val)

Gene: ABCC8 (ATP binding cassette subfamily C member 8; minus strand). Cytogenetic location: 11p15.1.
Variant type: single nucleotide variant.
Coding change: c.460T>G on transcript NM_000352.6 (MANE Select); coding-DNA position 460, T replaced by G.
Protein change: p.Phe154Val; replaces phenylalanine 154 with valine.
Molecular consequence: missense variant. On other transcripts: non-coding transcript variant (1).
Genome position (GRCh38, 1-based): chr11:17,463,557, A>C on the plus strand (T>G on the coding strand, the complement: ABCC8 is on the minus strand). VCF-style: chr11-17463557-A-C. GRCh37 (hg19) VCF-style: chr11-17485104-A-C.
Other names: c.460T>G, p.Phe154Val (NM_001287174.3, NM_001351295.2, NM_001351296.2 and 1 more transcripts); short protein forms F154V.
Identifiers: ClinVar variation 1346197 (VCV001346197.6), dbSNP rs2133687586, ClinGen allele CA379780246.